The following is an entry in ClinVar:

NM_000098.3(CPT2):c.1862T>C (p.Ile621Thr)

Gene: CPT2 (carnitine palmitoyltransferase 2; plus strand). Cytogenetic location: 1p32.3.
Variant type: single nucleotide variant.
Coding change: c.1862T>C on transcript NM_000098.3 (MANE Select); coding-DNA position 1862, T replaced by C.
Protein change: p.Ile621Thr; replaces isoleucine 621 with threonine.
Molecular consequence: missense variant.
Genome position (GRCh38, 1-based): chr1:53,213,480, T>C. VCF-style: chr1-53213480-T-C. GRCh37 (hg19) VCF-style: chr1-53679152-T-C.
Other names: c.1793T>C, p.Ile598Thr (NM_001330589.2); short protein forms I598T, I621T.
Identifiers: ClinVar variation 943456 (VCV000943456.7), dbSNP rs1645444056, ClinGen allele CA340397811.
Genomic context (GRCh38, chr1:53,213,480, plus strand): 5'-GCTTTGCCCCTGTGGTCTCTGATGGCTTTGGTGTTGGGTATGCTGTTCATGACAACTGGA[T>C]AGGCTGCAATGTCTCTTCCTACCCAGGCCGCAATGCCCGGGAGTTTCTCCAATGTGTGGA-3'
Protein context (NP_000089.1, residues 611-631): GVGYAVHDNW[Ile621Thr]GCNVSSYPGR

ClinVar aggregate classification (germline): Uncertain significance (1 of 4 stars; one submission).

Conditions:
Carnitine palmitoyltransferase II deficiency. Also called: Carnitine Palmitoyltransferase 2 Deficiency. Identifiers: Orphanet 157, MedGen C0342790, MONDO:0015515.

Allele frequency attached by ClinVar (database versions not stated): gnomAD exomes below 0.00001.
gnomAD v4.1: 1 of 1,614,254 alleles (0.000062%); highest among the groups gnomAD compares: Non-Finnish European, 0.000085%; no homozygotes.

Submission:

Labcorp Genetics (formerly Invitae), Labcorp
Classification: Uncertain significance for Carnitine palmitoyltransferase II deficiency. Last evaluated: 2022-10-25. Review status: criteria provided, single submitter. Criteria: Invitae Variant Classification Sherloc (09022015). Collection method: clinical testing. Allele origin: germline.
Comment: In summary, the available evidence is currently insufficient to determine the role of this variant in disease. Therefore, it has been classified as a Variant of Uncertain Significance. Advanced modeling of protein sequence and biophysical properties (such as structural, functional, and spatial information, amino acid conservation, physicochemical variation, residue mobility, and thermodynamic stability) performed at Invitae indicates that this missense variant is not expected to disrupt CPT2 protein function. ClinVar contains an entry for this variant (Variation ID: 943456). This missense change has been observed in individual(s) with carnitine palmitoyltransferase II deficiency (Invitae). This variant is not present in population databases (gnomAD no frequency). This sequence change replaces isoleucine, which is neutral and non-polar, with threonine, which is neutral and polar, at codon 621 of the CPT2 protein (p.Ile621Thr).